The following is an entry in ClinVar:

NM_000329.3(RPE65):c.840G>C (p.Glu280Asp)

Gene: RPE65 (retinoid isomerohydrolase RPE65; minus strand). Cytogenetic location: 1p31.3.
Variant type: single nucleotide variant.
Coding change: c.840G>C on transcript NM_000329.3 (MANE Select); coding-DNA position 840, G replaced by C.
Protein change: p.Glu280Asp; replaces glutamic acid 280 with aspartic acid.
Molecular consequence: missense variant.
Genome position (GRCh38, 1-based): chr1:68,439,209, C>G on the plus strand (G>C on the coding strand, the complement: RPE65 is on the minus strand). VCF-style: chr1-68439209-C-G. GRCh37 (hg19) VCF-style: chr1-68904892-C-G.
Other names: c.732G>C, p.Glu244Asp (NM_001406853.1); c.564G>C, p.Glu188Asp (NM_001406856.1, NM_001406857.1); c.840G>C, p.Glu280Asp (NM_001406859.1); short protein forms E188D, E244D, E280D.
Identifiers: ClinVar variation 2135005 (VCV002135005.4), dbSNP rs2523426265, ClinGen allele CA340745491.

ClinVar aggregate classification (germline): Uncertain significance (1 of 4 stars; one submission).

Conditions:
Retinitis pigmentosa 20 (RP20). Identifiers: Orphanet 791, MedGen C3151086, MONDO:0013425, OMIM 613794.
Leber congenital amaurosis 2 (LCA2). Also called: AMAUROSIS CONGENITA OF LEBER II; Autosomal Recessive RPE65-Related Retinal Degeneration. Identifiers: Orphanet 65, MedGen C1859844, MONDO:0008765, OMIM 204100. Disease mechanism: loss of function.

Submission:

Labcorp Genetics (formerly Invitae), Labcorp
Classification: Uncertain significance for Leber congenital amaurosis 2; Retinitis pigmentosa 20. Last evaluated: 2022-05-07. Review status: criteria provided, single submitter. Criteria: Invitae Variant Classification Sherloc (09022015). Collection method: clinical testing. Allele origin: germline.
Comment: This sequence change replaces glutamic acid, which is acidic and polar, with aspartic acid, which is acidic and polar, at codon 280 of the RPE65 protein (p.Glu280Asp). In summary, the available evidence is currently insufficient to determine the role of this variant in disease. Therefore, it has been classified as a Variant of Uncertain Significance. Algorithms developed to predict the effect of missense changes on protein structure and function are either unavailable or do not agree on the potential impact of this missense change (SIFT: "Tolerated"; PolyPhen-2: "Probably Damaging"; Align-GVGD: "Class C0"). This variant has not been reported in the literature in individuals affected with RPE65-related conditions. This variant is not present in population databases (gnomAD no frequency).